The following is an entry in ClinVar:

ClinVar aggregate classification (germline): Uncertain significance. Review status: criteria provided, multiple submitters, no conflicts (2 of 4 stars). 3 submissions from 3 submitters: Uncertain significance (3). Last evaluated 2024-12-20.

Conditions:
Inborn genetic diseases. Identifiers: MedGen C0950123, MeSH D030342.

Submissions (3):

GeneDx
Classification: Uncertain significance. Last evaluated: 2024-12-20. Review status: criteria provided, single submitter. Criteria: GeneDx Variant Classification Process June 2021. Collection method: clinical testing. Allele origin: germline. Affected: yes.
Comment: Not observed at significant frequency in large population cohorts (gnomAD); In silico analysis supports that this missense variant has a deleterious effect on protein structure/function; Has not been previously published as pathogenic or benign to our knowledge

Labcorp Genetics (formerly Invitae), Labcorp
Classification: Uncertain significance. Last evaluated: 2023-10-29. Review status: criteria provided, single submitter. Criteria: Invitae Variant Classification Sherloc (09022015). Collection method: clinical testing. Allele origin: germline.
Comment: This sequence change replaces valine, which is neutral and non-polar, with methionine, which is neutral and non-polar, at codon 517 of the FGD1 protein (p.Val517Met). This variant is not present in population databases (gnomAD no frequency). This variant has not been reported in the literature in individuals affected with FGD1-related conditions. ClinVar contains an entry for this variant (Variation ID: 521366). Advanced modeling of protein sequence and biophysical properties (such as structural, functional, and spatial information, amino acid conservation, physicochemical variation, residue mobility, and thermodynamic stability) has been performed at Invitae for this missense variant, however the output from this modeling did not meet the statistical confidence thresholds required to predict the impact of this variant on FGD1 protein function. In summary, the available evidence is currently insufficient to determine the role of this variant in disease. Therefore, it has been classified as a Variant of Uncertain Significance.

Ambry Genetics
Classification: Uncertain significance for Inborn genetic diseases. Last evaluated: 2016-11-28. Review status: criteria provided, single submitter. Criteria: Ambry exome assertion method (8-5-2015). Collection method: clinical testing. Allele origin: germline. Affected: yes. Observed: 1 variant allele.

Literature cited by the submitters: PubMed 8969170 (cited by Ambry Genetics); PubMed 19261807 (cited by Ambry Genetics).

NM_004463.3(FGD1):c.1549G>A (p.Val517Met)

Gene: FGD1 (FYVE, RhoGEF and PH domain containing 1; minus strand). Cytogenetic location: Xp11.22.
Variant type: single nucleotide variant.
Coding change: c.1549G>A on transcript NM_004463.3 (MANE Select); coding-DNA position 1549, G replaced by A.
Protein change: p.Val517Met; replaces valine 517 with methionine.
Molecular consequence: missense variant.
Genome position (GRCh38, 1-based): chrX:54,465,538, C>T on the plus strand (G>A on the coding strand, the complement: FGD1 is on the minus strand). VCF-style: chrX-54465538-C-T. GRCh37 (hg19) VCF-style: chrX-54491971-C-T.
Other names: short protein forms V517M.
Identifiers: ClinVar variation 521366 (VCV000521366.8), dbSNP rs1557189253, ClinGen allele CA413243903.
Genomic context (GRCh38, chrX:54,465,538, plus strand): 5'-CATGGGGCAGCTTTAACAGATAGTCCTTGAGAAGAAGCTCATAGCGGGGGATGCGCTGCA[C>T]AGGCTCCAGCATGTGGTGCTGCAATGTCAGGTTGCCACAGGCTTCCTCCTTCTGTGACAG-3'
Protein context (NP_004454.2, residues 507-527): LTLQHHMLEP[Val517Met]QRIPRYELLL